The following is an entry in ClinVar:

ClinVar aggregate classification (germline): Pathogenic (1 of 4 stars; one submission).

Conditions:
Spastic paraplegia. Identifiers: MedGen C0037772, HP:0001258.

Submission:

Labcorp Genetics (formerly Invitae), Labcorp
Classification: Pathogenic for Spastic paraplegia. Last evaluated: 2020-09-18. Review status: criteria provided, single submitter. Criteria: Invitae Variant Classification Sherloc (09022015). Collection method: clinical testing. Allele origin: germline.
Comment: For these reasons, this variant has been classified as Pathogenic. Loss-of-function variants in CYP2U1 are known to be pathogenic (PMID: 23176821, 26936192, 27292318). Algorithms developed to predict the effect of sequence changes on RNA splicing suggest that this variant may create or strengthen a splice site, but this prediction has not been confirmed by published transcriptional studies. This variant has not been reported in the literature in individuals with CYP2U1-related conditions. This variant is not present in population databases (ExAC no frequency). This sequence change creates a premature translational stop signal (p.Asp316Valfs*16) in the CYP2U1 gene. It is expected to result in an absent or disrupted protein product.

Literature cited by the submitters: PubMed 23176821; PubMed 26936192; PubMed 27292318.

NM_183075.3(CYP2U1):c.947_948del (p.Asp316fs)

Gene: CYP2U1 (cytochrome P450 family 2 subfamily U member 1; plus strand). Cytogenetic location: 4q25.
Variant type: Deletion.
Coding change: c.947_948del on transcript NM_183075.3 (MANE Select); coding-DNA positions 947 to 948, 2 bases deleted (AC; older notation c.947_948delAC).
Protein change: p.Asp316fs; shifts the reading frame from aspartic acid 316.
Molecular consequence: frameshift variant.
Genome position (GRCh38, 1-based): chr4:107,945,426-107,945,427, AC deleted. VCF-style (leftmost placement, unchanged base first): chr4-107945425-GAC-G. GRCh37 (hg19) VCF-style: chr4-108866581-GAC-G.
Other names: short protein forms D316fs.
Identifiers: ClinVar variation 1073573 (VCV001073573.5), dbSNP rs2126199530, ClinGen allele CA2499217038.